The following is an entry in ClinVar:

NM_001256789.3(CACNA1F):c.4209_4215delinsAAATTTG (p.Ser1403_Phe1405delinsArgAsnLeu)

Gene: CACNA1F (calcium voltage-gated channel subunit alpha1 F; minus strand). Cytogenetic location: Xp11.23.
Variant type: Indel.
Coding change: c.4209_4215delinsAAATTTG on transcript NM_001256789.3 (MANE Select); coding-DNA positions 4209 to 4215, CAATTTT replaced by AAATTTG.
Protein change: p.Ser1403_Phe1405delinsArgAsnLeu.
Molecular consequence: missense variant.
Genome position (GRCh38, 1-based): chrX:49,211,367-49,211,373, AAAATTG replaced by CAAATTT on the plus strand (CAATTTT replaced by AAATTTG on the coding strand, the reverse complement: CACNA1F is on the minus strand). VCF-style: chrX-49211367-AAAATTG-CAAATTT. GRCh37 (hg19) VCF-style: chrX-49067827-AAAATTG-CAAATTT.
Other names: c.4047_4053delinsAAATTTG, p.Ser1349_Phe1351delinsArgAsnLeu (NM_001256790.3); c.4242_4248delinsAAATTTG, p.Ser1414_Phe1416delinsArgAsnLeu (NM_005183.4).
Identifiers: ClinVar variation 1706855 (VCV001706855.2), dbSNP rs2520789163, ClinGen allele CA2580101120.

ClinVar aggregate classification (germline): Uncertain significance (1 of 4 stars; one submission).

Submission:

GeneDx
Classification: Uncertain significance. Last evaluated: 2022-03-20. Review status: criteria provided, single submitter. Criteria: GeneDx Variant Classification Process June 2021. Collection method: clinical testing. Allele origin: germline. Affected: yes.
Comment: Not observed at significant frequency in large population cohorts (gnomAD); In-frame deletion of three amino acids replaced by three different amino acids in a non-repeat region; In silico analysis supports a deleterious effect on protein structure/function; Has not been previously published as pathogenic or benign to our knowledge